The following is an entry in ClinVar:

ClinVar aggregate classification (germline): Uncertain significance. Review status: criteria provided, multiple submitters, no conflicts (2 of 4 stars). 2 submissions from 2 submitters: Uncertain significance (2). Last evaluated 2025-06-16.

Conditions:
Inborn genetic diseases. Identifiers: MedGen C0950123, MeSH D030342.

Allele frequency attached by ClinVar (database versions not stated): gnomAD 0.00001; gnomAD exomes 0.00001; TOPMed 0.00003; ExAC 0.00007.
gnomAD v4.1: 9 of 1,551,796 alleles (0.00058%); highest among the groups gnomAD compares: African/African-American, 0.011%; no homozygotes.

Submissions (2):

Ambry Genetics
Classification: Uncertain significance for Inborn genetic diseases. Last evaluated: 2025-06-16. Review status: criteria provided, single submitter. Criteria: Ambry Variant Classification Scheme 2023. Collection method: clinical testing. Allele origin: germline.

Labcorp Genetics (formerly Invitae), Labcorp
Classification: Uncertain significance. Last evaluated: 2023-04-06. Review status: criteria provided, single submitter. Criteria: Invitae Variant Classification Sherloc (09022015). Collection method: clinical testing. Allele origin: germline.
Comment: This sequence change replaces proline, which is neutral and non-polar, with leucine, which is neutral and non-polar, at codon 107 of the KLF1 protein (p.Pro107Leu). The frequency data for this variant in the population databases is considered unreliable, as metrics indicate poor data quality at this position in the gnomAD database. This variant has not been reported in the literature in individuals affected with KLF1-related conditions. Advanced modeling of protein sequence and biophysical properties (such as structural, functional, and spatial information, amino acid conservation, physicochemical variation, residue mobility, and thermodynamic stability) performed at Invitae indicates that this missense variant is not expected to disrupt KLF1 protein function. In summary, the available evidence is currently insufficient to determine the role of this variant in disease. Therefore, it has been classified as a Variant of Uncertain Significance.

NM_006563.5(KLF1):c.320C>T (p.Pro107Leu)

Gene: KLF1 (KLF transcription factor 1; minus strand). Cytogenetic location: 19p13.13.
Variant type: single nucleotide variant.
Coding change: c.320C>T on transcript NM_006563.5 (MANE Select); coding-DNA position 320, C replaced by T.
Protein change: p.Pro107Leu; replaces proline 107 with leucine.
Molecular consequence: missense variant.
Genome position (GRCh38, 1-based): chr19:12,885,910, G>A on the plus strand (C>T on the coding strand, the complement: KLF1 is on the minus strand). VCF-style: chr19-12885910-G-A. GRCh37 (hg19) VCF-style: chr19-12996724-G-A.
Other names: c.320C>T (NM_006563.3); short protein forms P107L.
Identifiers: ClinVar variation 3007578 (VCV003007578.4), dbSNP rs751132405, ClinGen allele CA9234055.
Genomic context (GRCh38, chr19:12,885,910, plus strand): 5'-AAAAGCCCAGCCACCAGCCCCGGGCCGCCAGCATATGCGCCCAGAGTCTCGGGCGGCGGC[G>A]GATATTGCGCCCCGGAGGCCTCGCTGGGCGCCAGAGCGCAGGTCTGGGGCGCGCCACCGG-3'
Protein context (NP_006554.1, residues 97-117): APSEASGAQY[Pro107Leu]PPPETLGAYA